The following is an entry in ClinVar:

ClinVar aggregate classification (germline): Uncertain significance. Review status: criteria provided, multiple submitters, no conflicts (2 of 4 stars). 2 submissions from 2 submitters: Uncertain significance (2). Last evaluated 2025-12-17.

Conditions:
Deficiency of 2-methylbutyryl-CoA dehydrogenase (ACADSB). Also called: 2-methylbutyrylglycinuria; 2-methylbutyryl-CoA dehydrogenase deficiency; SBCAD deficiency; 2-methylbutyric aciduria; Short branched-chain acyl-CoA dehydrogenase deficiency. Identifiers: Orphanet 79157, MedGen C1864912, MONDO:0012392, OMIM 610006, HP:0020147.

Allele frequency attached by ClinVar (database versions not stated): gnomAD 0.00002 and 0.00003; gnomAD exomes 0.00003 and 0.00006; TOPMed 0.00003; ExAC 0.00009.
gnomAD v4.1: 49 of 1,613,880 alleles (0.003%); highest among the groups gnomAD compares: East Asian, 0.074%; no homozygotes.

Submissions (2):

Labcorp Genetics (formerly Invitae), Labcorp
Classification: Uncertain significance for Deficiency of 2-methylbutyryl-CoA dehydrogenase. Last evaluated: 2025-12-17. Review status: criteria provided, single submitter. Criteria: Invitae Variant Classification Sherloc (09022015). Collection method: clinical testing. Allele origin: germline.
Comment: This sequence change replaces tyrosine, which is neutral and polar, with cysteine, which is neutral and slightly polar, at codon 283 of the ACADSB protein (p.Tyr283Cys). This variant is present in population databases (rs201035053, gnomAD 0.07%). This missense change has been observed in individual(s) with deficiency of 2-methylbutyryl-CoA dehydrogenase (PMID: 15615815). ClinVar contains an entry for this variant (Variation ID: 1211629). An algorithm developed to predict the effect of missense changes on protein structure and function outputs the following: PolyPhen-2: "Probably Damaging". The cysteine amino acid residue is found in multiple mammalian species, which suggests that this missense change does not adversely affect protein function. Algorithms developed to predict the effect of sequence changes on RNA splicing suggest that this variant may create or strengthen a splice site. In summary, the available evidence is currently insufficient to determine the role of this variant in disease. Therefore, it has been classified as a Variant of Uncertain Significance.

GeneDx
Classification: Uncertain significance. Last evaluated: 2020-11-23. Review status: criteria provided, single submitter. Criteria: GeneDx Variant Classification Process June 2021. Collection method: clinical testing. Allele origin: germline. Affected: yes.
Comment: In silico analysis supports that this missense variant has a deleterious effect on protein structure/function; In silico analysis suggests this variant may impact gene splicing. In the absence of RNA/functional studies, the actual effect of this sequence change is unknown.; This variant is associated with the following publications: (PMID: 15615815, 17945527)

Literature cited by the submitters: PubMed 15615815 (cited by Labcorp Genetics (formerly Invitae), Labcorp).

NM_001609.4(ACADSB):c.848A>G (p.Tyr283Cys)

Gene: ACADSB (acyl-CoA dehydrogenase short/branched chain; plus strand). Cytogenetic location: 10q26.13.
Variant type: single nucleotide variant.
Coding change: c.848A>G on transcript NM_001609.4 (MANE Select); coding-DNA position 848, A replaced by G.
Protein change: p.Tyr283Cys; replaces tyrosine 283 with cysteine.
Molecular consequence: missense variant.
Genome position (GRCh38, 1-based): chr10:123,044,433, A>G. VCF-style: chr10-123044433-A-G. GRCh37 (hg19) VCF-style: chr10-124803949-A-G.
Other names: c.542A>G, p.Tyr181Cys (NM_001330174.3); short protein forms Y181C, Y283C.
Identifiers: ClinVar variation 1211629 (VCV001211629.5), dbSNP rs201035053, ClinGen allele CA5730830.